The following is an entry in ClinVar:

NM_182961.4(SYNE1):c.3109G>A (p.Glu1037Lys)

Gene: SYNE1 (spectrin repeat containing nuclear envelope protein 1; minus strand). Cytogenetic location: 6q25.2.
Variant type: single nucleotide variant.
Coding change: c.3109G>A on transcript NM_182961.4 (MANE Select); coding-DNA position 3109, G replaced by A.
Protein change: p.Glu1037Lys; replaces glutamic acid 1037 with lysine.
Molecular consequence: missense variant.
Genome position (GRCh38, 1-based): chr6:152,451,124, C>T on the plus strand (G>A on the coding strand, the complement: SYNE1 is on the minus strand). VCF-style: chr6-152451124-C-T. GRCh37 (hg19) VCF-style: chr6-152772259-C-T.
Other names: c.3130G>A, p.Glu1044Lys (NM_033071.5); short protein forms E1044K, E1037K.
Identifiers: ClinVar variation 471042 (VCV000471042.10), dbSNP rs545152377, ClinGen allele CA4058921.

ClinVar aggregate classification (germline): Uncertain significance (1 of 4 stars; one submission).

Conditions:
Emery-Dreifuss muscular dystrophy 4, autosomal dominant (EDMD4). Also called: EMERY-DREIFUSS MUSCULAR DYSTROPHY 4 WITH VARIABLE FEATURES. Identifiers: Orphanet 261, MedGen C2751807, MONDO:0013071, OMIM 612998.
Autosomal recessive ataxia, Beauce type. Also called: SYNE1-Related Autosomal Recessive Cerebellar Ataxia; Spinocerebellar ataxia, autosomal recessive 8; ATAXIA, RECESSIVE, OF BEAUCE; SYNE1 Deficiency. Identifiers: Orphanet 88644, MedGen C1853116, MONDO:0012549, OMIM 610743.

Allele frequency attached by ClinVar (database versions not stated): gnomAD below 0.00001 and 0.00004; TOPMed below 0.00001; gnomAD exomes 0.00014 and 0.00006; ExAC 0.00016; 1000 Genomes Project 30x 0.00047; 1000 Genomes Project 0.00060.
gnomAD v4.1: 93 of 1,614,114 alleles (0.0058%); highest among the groups gnomAD compares: South Asian, 0.098%; no homozygotes.

Submission:

Labcorp Genetics (formerly Invitae), Labcorp
Classification: Uncertain significance for Emery-Dreifuss muscular dystrophy 4, autosomal dominant; Autosomal recessive ataxia, Beauce type. Last evaluated: 2022-09-27. Review status: criteria provided, single submitter. Criteria: Invitae Variant Classification Sherloc (09022015). Collection method: clinical testing. Allele origin: germline.
Comment: In summary, the available evidence is currently insufficient to determine the role of this variant in disease. Therefore, it has been classified as a Variant of Uncertain Significance. Algorithms developed to predict the effect of sequence changes on RNA splicing suggest that this variant may disrupt the consensus splice site. Algorithms developed to predict the effect of missense changes on protein structure and function are either unavailable or do not agree on the potential impact of this missense change (SIFT: "Deleterious"; PolyPhen-2: "Probably Damaging"; Align-GVGD: "Class C0"). ClinVar contains an entry for this variant (Variation ID: 471042). This variant has not been reported in the literature in individuals affected with SYNE1-related conditions. This variant is present in population databases (rs545152377, gnomAD 0.1%). This sequence change replaces glutamic acid, which is acidic and polar, with lysine, which is basic and polar, at codon 1044 of the SYNE1 protein (p.Glu1044Lys).